The following is an entry in ClinVar:

NM_002114.4(HIVEP1):c.2631T>A (p.Asp877Glu)

Gene: HIVEP1 (HIVEP zinc finger 1; plus strand). Cytogenetic location: 6p24.1.
Variant type: single nucleotide variant.
Coding change: c.2631T>A on transcript NM_002114.4 (MANE Select); coding-DNA position 2631, T replaced by A.
Protein change: p.Asp877Glu; replaces aspartic acid 877 with glutamic acid.
Molecular consequence: missense variant.
Genome position (GRCh38, 1-based): chr6:12,122,426, T>A. VCF-style: chr6-12122426-T-A. GRCh37 (hg19) VCF-style: chr6-12122659-T-A.
Other names: c.2631T>A (NM_002114.2); short protein forms D877E.
Identifiers: ClinVar variation 2636990 (VCV002636990.2), dbSNP rs555394124, ClinGen allele CA133819950.

ClinVar aggregate classification (germline): Uncertain significance. Review status: criteria provided, multiple submitters, no conflicts (2 of 4 stars). 2 submissions from 2 submitters: Uncertain significance (2). Last evaluated 2025-02-02.

Conditions:
HIVEP1-related disorder. Also called: HIVEP1-related condition.

Allele frequency attached by ClinVar (database versions not stated): gnomAD 0.00001; TOPMed 0.00001; 1000 Genomes Project 30x 0.00016; 1000 Genomes Project 0.00020.
gnomAD v4.1: 9 of 1,614,216 alleles (0.00056%); highest among the groups gnomAD compares: Admixed American, 0.0017%; no homozygotes.

Submissions (2):

Ambry Genetics
Classification: Uncertain significance. Last evaluated: 2025-02-02. Review status: criteria provided, single submitter. Criteria: Ambry Variant Classification Scheme 2023. Collection method: clinical testing. Allele origin: germline.

PreventionGenetics, part of Exact Sciences
Classification: Uncertain significance for HIVEP1-related condition. Last evaluated: 2022-10-07. Review status: criteria provided, single submitter. Criteria: ACMG Guidelines, 2015. Collection method: clinical testing. Allele origin: germline.
Comment: The HIVEP1 c.2631T>A variant is predicted to result in the amino acid substitution p.Asp877Glu. To our knowledge, this variant has not been reported in the literature or in a large population database, indicating this variant is rare. At this time, the clinical significance of this variant is uncertain due to the absence of conclusive functional and genetic evidence.